The following is an entry in ClinVar:

ClinVar aggregate classification (germline): Uncertain significance (1 of 4 stars; one submission).

gnomAD v4.1: 1 of 1,612,612 alleles (0.000062%); highest among the groups gnomAD compares: Non-Finnish European, 0.000085%; no homozygotes.

Submission:

Labcorp Genetics (formerly Invitae), Labcorp
Classification: Uncertain significance. Last evaluated: 2017-01-31. Review status: criteria provided, single submitter. Criteria: Invitae Variant Classification Sherloc (09022015). Collection method: clinical testing. Allele origin: germline.
Comment: In summary, this variant is a novel missense change that is not predicted to affect protein function. There is no indication that it causes disease, but the available evidence is currently insufficient to prove that conclusively. Therefore, it has been classified as a Variant of Uncertain Significance. Algorithms developed to predict the effect of missense changes on protein structure and function (SIFT, PolyPhen-2, Align-GVGD) all suggest that this variant is likely to be tolerated, but these predictions have not been confirmed by published functional studies. This variant is not present in population databases (ExAC no frequency) and has not been reported in the literature in individuals with a POLE-related disease. This sequence change replaces arginine with serine at codon 1289 of the POLE protein (p.Arg1289Ser). The arginine residue is moderately conserved and there is a moderate physicochemical difference between arginine and serine.

NM_006231.4(POLE):c.3865C>A (p.Arg1289Ser)

Gene: POLE (DNA polymerase epsilon, catalytic subunit; minus strand). Cytogenetic location: 12q24.33.
Variant type: single nucleotide variant.
Coding change: c.3865C>A on transcript NM_006231.4 (MANE Select); coding-DNA position 3865, C replaced by A.
Protein change: p.Arg1289Ser; replaces arginine 1289 with serine.
Molecular consequence: missense variant.
Genome position (GRCh38, 1-based): chr12:132,649,446, G>T on the plus strand (C>A on the coding strand, the complement: POLE is on the minus strand). VCF-style: chr12-132649446-G-T. GRCh37 (hg19) VCF-style: chr12-133226032-G-T.
Other names: short protein forms R1289S.
Identifiers: ClinVar variation 473625 (VCV000473625.8), dbSNP rs770036124, ClinGen allele CA387385351.